The following is an entry in ClinVar:

NM_016169.4(SUFU):c.1030A>C (p.Lys344Gln)

Gene: SUFU (SUFU negative regulator of hedgehog signaling; plus strand). Cytogenetic location: 10q24.32.
Variant type: single nucleotide variant.
Coding change: c.1030A>C on transcript NM_016169.4 (MANE Select); coding-DNA position 1030, A replaced by C.
Protein change: p.Lys344Gln; replaces lysine 344 with glutamine.
Molecular consequence: missense variant.
Genome position (GRCh38, 1-based): chr10:102,615,275, A>C. VCF-style: chr10-102615275-A-C. GRCh37 (hg19) VCF-style: chr10-104375032-A-C.
Other names: c.1030A>C, p.Lys344Gln (NM_001178133.2); short protein forms K344Q.
Identifiers: ClinVar variation 657291 (VCV000657291.15), dbSNP rs1590082116, ClinGen allele CA377913569.

ClinVar aggregate classification (germline): Uncertain significance. Review status: criteria provided, multiple submitters, no conflicts (2 of 4 stars). 4 submissions from 4 submitters: Uncertain significance (3). 1 of the submissions does not count toward it. Last evaluated 2025-09-01.

Conditions:
SUFU-related disorder. Also called: SUFU-related disorders; SUFU-related condition.
Gorlin syndrome. Also called: Nevoid Basal Cell Carcinoma Syndrome; Basal cell nevus syndrome. Identifiers: Orphanet 377, MedGen C0004779, MONDO:0007187.
Medulloblastoma (MDB). Also called: MEDULLOBLASTOMA PREDISPOSITION SYNDROME; Medulloblastoma, somatic. Identifiers: Orphanet 616, MedGen C0025149, MeSH D008527, MONDO:0007959, OMIM 155255, HP:0002885.
Hereditary cancer-predisposing syndrome. Also called: Neoplastic Syndromes, Hereditary; Hereditary neoplastic syndrome; Hereditary Cancer Syndrome; Tumor predisposition. Identifiers: Orphanet 140162, MedGen C0027672, MeSH D009386, MONDO:0015356.

Allele frequency attached by ClinVar (database versions not stated): gnomAD 0.00001; TOPMed 0.00001.

Submissions (4):

Labcorp Genetics (formerly Invitae), Labcorp
Classification: Uncertain significance for Gorlin syndrome; Medulloblastoma. Last evaluated: 2025-09-01. Review status: criteria provided, single submitter. Criteria: Invitae Variant Classification Sherloc (09022015). Collection method: clinical testing. Allele origin: germline.
Comment: This sequence change replaces lysine, which is basic and polar, with glutamine, which is neutral and polar, at codon 344 of the SUFU protein (p.Lys344Gln). This variant is not present in population databases (gnomAD no frequency). This variant has not been reported in the literature in individuals affected with SUFU-related conditions. ClinVar contains an entry for this variant (Variation ID: 657291). Invitae Evidence Modeling of protein sequence and biophysical properties (such as structural, functional, and spatial information, amino acid conservation, physicochemical variation, residue mobility, and thermodynamic stability) indicates that this missense variant is not expected to disrupt SUFU protein function with a negative predictive value of 80%. In summary, the available evidence is currently insufficient to determine the role of this variant in disease. Therefore, it has been classified as a Variant of Uncertain Significance.

Ambry Genetics
Classification: Uncertain significance for Hereditary cancer-predisposing syndrome. Last evaluated: 2024-04-10. Review status: criteria provided, single submitter. Criteria: Ambry Variant Classification Scheme 2023. Collection method: clinical testing. Allele origin: germline.
Comment: The p.K344Q variant (also known as c.1030A>C), located in coding exon 9 of the SUFU gene, results from an A to C substitution at nucleotide position 1030. The lysine at codon 344 is replaced by glutamine, an amino acid with similar properties. This amino acid position is highly conserved in available vertebrate species. In addition, the in silico prediction for this alteration is inconclusive. Since supporting evidence is limited at this time, the clinical significance of this alteration remains unclear.

GeneDx
Classification: Uncertain significance. Last evaluated: 2023-10-31. Review status: criteria provided, single submitter. Criteria: GeneDx Variant Classification Process June 2021. Collection method: clinical testing. Allele origin: germline. Affected: yes.
Comment: Not observed at significant frequency in large population cohorts (gnomAD); In silico analysis supports that this missense variant does not alter protein structure/function; Has not been previously published as pathogenic or benign to our knowledge; This variant is associated with the following publications: (PMID: 24311597)

PreventionGenetics, part of Exact Sciences
Classification: Uncertain significance for SUFU-related condition. Last evaluated: 2024-01-18. Review status: no assertion criteria provided. Collection method: clinical testing. Allele origin: germline. Not counted in ClinVar's aggregate classification.
Comment: The SUFU c.1030A>C variant is predicted to result in the amino acid substitution p.Lys344Gln. To our knowledge, this variant has not been reported in the literature or in a large population database, indicating this variant is rare. In ClinVar, this variant has been interpreted as uncertain. At this time, the clinical significance of this variant is uncertain due to the absence of conclusive functional and genetic evidence.